The following is an entry in ClinVar:

NM_031308.4(EPPK1):c.6807C>T (p.Thr2269=)

Gene: EPPK1 (epiplakin 1; minus strand). Cytogenetic location: 8q24.3.
Variant type: single nucleotide variant.
Coding change: c.6807C>T on transcript NM_031308.4 (MANE Select); coding-DNA position 6807, C replaced by T.
Protein change: p.Thr2269=; no amino-acid change (threonine 2269 retained).
Molecular consequence: synonymous variant.
Genome position (GRCh38, 1-based): chr8:143,866,447, G>A on the plus strand (C>T on the coding strand, the complement: EPPK1 is on the minus strand). VCF-style: chr8-143866447-G-A.
Identifiers: ClinVar variation 3039843 (VCV003039843.1), dbSNP rs1442851164, ClinGen allele CA848824418.
Genomic context (GRCh38, chr8:143,866,447, plus strand): 5'-CGCGGCCACGGCCTCCTCCACCGACAGCCTCAGGTTGCGCACGGGGTCGATGACGAAGCC[G>A]GTGGCCGCCTGCGCCTCCAGCAGCACCAGGGCCGTGCCGGGCCGCAGCACGCCCTTCCAC-3'
Protein context (NP_112598.3, residues 2259-2279): ALVLLEAQAA[Thr2269=]GFVIDPVRNL

ClinVar aggregate classification (germline): Likely benign (1 of 4 stars; one submission).

Conditions:
EPPK1-related disorder. Also called: EPPK1-related condition.

Allele frequency attached by ClinVar (database versions not stated): gnomAD exomes 0.00006; gnomAD 0.00010.
gnomAD v4.1: 96 of 1,399,918 alleles (0.0069%); highest among the groups gnomAD compares: Middle Eastern, 0.025%; no homozygotes.

Submission:

PreventionGenetics, part of Exact Sciences
Classification: Likely benign for EPPK1-related condition. Last evaluated: 2021-05-11. Review status: criteria provided, single submitter. Criteria: ACMG Guidelines, 2015. Collection method: clinical testing. Allele origin: germline.
Comment: This variant is classified as likely benign based on ACMG/AMP sequence variant interpretation guidelines (Richards et al. 2015 PMID: 25741868, with internal and published modifications).